The following is an entry in ClinVar:

NM_000313.4(PROS1):c.1185_1188dup (p.Ile397Ter)

Gene: PROS1 (protein S; minus strand). Cytogenetic location: 3q11.1.
Variant type: Duplication.
Coding change: c.1185_1188dup on transcript NM_000313.4 (MANE Select); coding-DNA positions 1185 to 1188, 4 bases duplicated (TAGC; older notation c.1185_1188dupTAGC).
Protein change: p.Ile397Ter; replaces isoleucine 397 with a stop codon.
Molecular consequence: nonsense.
Genome position (GRCh38, 1-based): chr3:93,886,471-93,886,474, GCTA duplicated on the plus strand (TAGC on the coding strand, the reverse complement: PROS1 is on the minus strand). VCF-style (leftmost placement, unchanged base first): chr3-93886470-T-TGCTA. GRCh37 (hg19) VCF-style: chr3-93605314-T-TGCTA.
Other names: c.1281_1284dup, p.Ile429Ter (NM_001314077.2); short protein forms I397*, I429*.
Identifiers: ClinVar variation 2807789 (VCV002807789.3), dbSNP rs2472117875, ClinGen allele CA2739278620.

ClinVar aggregate classification (germline): Pathogenic (1 of 4 stars; one submission).

Conditions:
Thrombophilia due to protein S deficiency, autosomal recessive (THPH6). Identifiers: Orphanet 743, MedGen C3281092, MONDO:0013791, OMIM 614514. Disease mechanism: loss of function.

Submission:

Labcorp Genetics (formerly Invitae), Labcorp
Classification: Pathogenic for Thrombophilia due to protein S deficiency, autosomal recessive. Last evaluated: 2022-12-08. Review status: criteria provided, single submitter. Criteria: Invitae Variant Classification Sherloc (09022015). Collection method: clinical testing. Allele origin: germline.
Comment: This sequence change creates a premature translational stop signal (p.Ile397*) in the PROS1 gene. It is expected to result in an absent or disrupted protein product. Loss-of-function variants in PROS1 are known to be pathogenic (PMID: 9241758). This variant is not present in population databases (gnomAD no frequency). This variant has not been reported in the literature in individuals affected with PROS1-related conditions. For these reasons, this variant has been classified as Pathogenic.

Literature cited by the submitters: PubMed 9241758.